The following is an entry in ClinVar:

ClinVar aggregate classification (germline): Likely benign. Review status: criteria provided, multiple submitters, no conflicts (2 of 4 stars). 3 submissions from 3 submitters: Likely benign (3). Last evaluated 2026-05-28.

Conditions:
Dilated cardiomyopathy 1G (CMD1G). Identifiers: Orphanet 154, MedGen C1858763, MONDO:0011400, OMIM 604145.
Autosomal recessive limb-girdle muscular dystrophy type 2J (LGMDR10). Also called: Limb-girdle muscular dystrophy, type 2J; MUSCULAR DYSTROPHY, LIMB-GIRDLE, AUTOSOMAL RECESSIVE 10. Identifiers: Orphanet 140922, MedGen C1837342, MONDO:0012127, OMIM 608807.
Cardiovascular phenotype. Identifiers: MedGen CN230736.
TTN-related disorder. Also called: TTN-related disorders; TTN-related condition; TTN-related disease.

Allele frequency attached by ClinVar (database versions not stated): gnomAD 0.00001 and 0.00003; gnomAD exomes 0.00001; ExAC 0.00002; TOPMed 0.00003; ESP Exome Variant Server 0.00008.
gnomAD v4.1: 9 of 1,613,038 alleles (0.00056%); highest among the groups gnomAD compares: Admixed American, 0.0083%; no homozygotes.

Submissions (3):

Ambry Genetics
Classification: Likely benign for Cardiovascular phenotype. Last evaluated: 2026-05-28. Review status: criteria provided, single submitter. Criteria: Ambry Variant Classification Scheme 2023. Collection method: clinical testing. Allele origin: germline.

PreventionGenetics, part of Exact Sciences
Classification: Likely benign for TTN-related condition. Last evaluated: 2026-05-06. Review status: criteria provided, single submitter. Criteria: ACMG Guidelines, 2015. Collection method: clinical testing. Allele origin: germline.
Comment: This variant is classified as likely benign based on ACMG/AMP sequence variant interpretation guidelines (Richards et al. 2015 PMID: 25741868, with internal and published modifications).

Labcorp Genetics (formerly Invitae), Labcorp
Classification: Likely benign for Dilated cardiomyopathy 1G; Autosomal recessive limb-girdle muscular dystrophy type 2J. Last evaluated: 2025-03-25. Review status: criteria provided, single submitter. Criteria: Invitae Variant Classification Sherloc (09022015). Collection method: clinical testing. Allele origin: germline.

NM_001267550.2(TTN):c.52905A>G (p.Arg17635=)

Genes: TTN (titin; minus strand), TTN-AS1 (TTN antisense RNA 1; plus strand), LOC126806425 (BRD4-independent group 4 enhancer GRCh37_chr2:179471933-179473132; plus strand). Cytogenetic location: 2q31.2.
Variant type: single nucleotide variant.
Coding change: c.52905A>G on transcript NM_001267550.2 (MANE Select); coding-DNA position 52905, A replaced by G.
Protein change: p.Arg17635=; no amino-acid change (arginine 17635 retained).
Molecular consequence: synonymous variant.
Genome position (GRCh38, 1-based): chr2:178,607,882, T>C on the plus strand (A>G on the coding strand, the complement: TTN is on the minus strand). VCF-style: chr2-178607882-T-C. GRCh37 (hg19) VCF-style: chr2-179472609-T-C.
Other names: c.47982A>G, p.Arg15994= (NM_001256850.1); c.25710A>G, p.Arg8570= (NM_003319.4); c.45201A>G, p.Arg15067= (NM_133378.4); c.26085A>G, p.Arg8695= (NM_133432.3); c.26286A>G, p.Arg8762= (NM_133437.4).
Identifiers: ClinVar variation 1348980 (VCV001348980.10), dbSNP rs372908128, ClinGen allele CA1993907.